The following is an entry in ClinVar:

ClinVar aggregate classification (germline): Pathogenic (1 of 4 stars; one submission).

Conditions:
Diffuse cerebral and cerebellar atrophy - intractable seizures - progressive microcephaly syndrome. Also called: Microcephaly, progressive, with seizures and cerebral and cerebellar atrophy. Identifiers: Orphanet 404437, MedGen C4014239, MONDO:0014335, OMIM 615760.

Submission:

Labcorp Genetics (formerly Invitae), Labcorp
Classification: Pathogenic for Diffuse cerebral and cerebellar atrophy - intractable seizures - progressive microcephaly syndrome. Last evaluated: 2024-10-24. Review status: criteria provided, single submitter. Criteria: Invitae Variant Classification Sherloc (09022015). Collection method: clinical testing. Allele origin: germline.
Comment: This sequence change creates a premature translational stop signal (p.Arg538Glyfs*4) in the QARS gene. It is expected to result in an absent or disrupted protein product. Loss-of-function variants in QARS are known to be pathogenic (PMID: 24656866, 25471517). This variant is not present in population databases (gnomAD no frequency). This variant has not been reported in the literature in individuals affected with QARS-related conditions. ClinVar contains an entry for this variant (Variation ID: 544142). For these reasons, this variant has been classified as Pathogenic.

Literature cited by the submitters: PubMed 24656866; PubMed 25471517.

NM_005051.3(QARS1):c.1612del (p.Arg538fs)

Gene: QARS1 (glutaminyl-tRNA synthetase 1; minus strand). Cytogenetic location: 3p21.31.
Variant type: Deletion.
Coding change: c.1612del on transcript NM_005051.3 (MANE Select); coding-DNA position 1612, one base deleted (C; older notation c.1612delC).
Protein change: p.Arg538fs; shifts the reading frame from arginine 538.
Molecular consequence: frameshift variant. On other transcripts: non-coding transcript variant (1).
Genome position (GRCh38, 1-based): chr3:49,099,346, G deleted on the plus strand (C on the coding strand, the reverse complement: QARS1 is on the minus strand); the first of 3 consecutive G bases (chr3:49,099,346-49,099,348); deleting any one gives the same sequence. VCF-style (leftmost placement, unchanged base first): chr3-49099345-CG-C. GRCh37 (hg19) VCF-style: chr3-49136778-CG-C.
Other names: c.1579del, p.Arg527fs (NM_001272073.2); short protein forms R527fs, R538fs.
Identifiers: ClinVar variation 544142 (VCV000544142.5), dbSNP rs1553751717, ClinGen allele CA658796311.